The following is an entry in ClinVar:

ClinVar aggregate classification (germline): Pathogenic/Likely pathogenic. Review status: criteria provided, multiple submitters, no conflicts (2 of 4 stars). 3 submissions from 3 submitters: Pathogenic (2); Likely pathogenic (1). Last evaluated 2024-05-16.

Conditions:
Glycine encephalopathy. Also called: Nonketotic hyperglycinemia; Non-ketotic hyperglycinemia. Identifiers: Orphanet 407, MedGen C0751748, MONDO:0011612, HP:0008288.
Glycine encephalopathy 1 (GCE1). Identifiers: MedGen CN376801, MONDO:0958179, OMIM 605899.

Allele frequency attached by ClinVar (database versions not stated): gnomAD exomes below 0.00001; TOPMed 0.00001.
gnomAD v4.1: 4 of 1,613,146 alleles (0.00025%); highest among the groups gnomAD compares: East Asian, 0.0022%; no homozygotes.

Submissions (3):

Fulgent Genetics
Classification: Likely pathogenic for Glycine encephalopathy 1. Last evaluated: 2024-05-16. Review status: criteria provided, single submitter. Criteria: ACMG Guidelines, 2015. Collection method: clinical testing. Allele origin: germline.

Women's Health and Genetics/Laboratory Corporation of America, LabCorp
Classification: Pathogenic for Glycine encephalopathy. Last evaluated: 2024-05-15. Review status: criteria provided, single submitter. Criteria: LabCorp Variant Classification Summary - May 2015. Collection method: clinical testing. Allele origin: germline.
Comment: Variant summary: GLDC c.2182G>A (p.Gly728Arg) results in a non-conservative amino acid change located in the Aromatic amino acid beta-eliminating lyase/threonine aldolase domain (IPR001597) of the encoded protein sequence. Five of five in-silico tools predict a damaging effect of the variant on protein function. The variant allele was found at a frequency of 4e-06 in 251430 control chromosomes. c.2182G>A (and a different variant with the same protein effect, c.2182G>C) have been reported in the literature in multiple individuals affected with Glycine Encephalopathy (Non-Ketotic Hyperglycinemia) (example, Coughlin_2017, Coughlin_2018 [erratum], Kure_2006, Ning_2021, Shellhaas_2017, Swanson_2022, Trujillano_2017). Further, a different missense variant at the same codon p.Gly728Glu has been classified as pathogenic in ClinVar (ID 2735246). These data indicate that the variant is likely to be associated with disease. To our knowledge, no experimental evidence demonstrating an impact on protein function has been reported. The following publications have been ascertained in the context of this evaluation (PMID: 27362913, 29300369, 16450403, 34587689, 28733343, 35357708, 28116331). ClinVar contains an entry for this variant (Variation ID: 580932). Based on the evidence outlined above, the variant was classified as pathogenic.

Labcorp Genetics (formerly Invitae), Labcorp
Classification: Pathogenic for Glycine encephalopathy. Last evaluated: 2023-12-03. Review status: criteria provided, single submitter. Criteria: Invitae Variant Classification Sherloc (09022015). Collection method: clinical testing. Allele origin: germline.
Comment: This sequence change replaces glycine, which is neutral and non-polar, with arginine, which is basic and polar, at codon 728 of the GLDC protein (p.Gly728Arg). This variant is present in population databases (no rsID available, gnomAD 0.003%). This missense change has been observed in individual(s) with clinical features of glycine encephalopathy (PMID: 27362913; Invitae). ClinVar contains an entry for this variant (Variation ID: 580932). Advanced modeling of protein sequence and biophysical properties (such as structural, functional, and spatial information, amino acid conservation, physicochemical variation, residue mobility, and thermodynamic stability) performed at Invitae indicates that this missense variant is expected to disrupt GLDC protein function with a positive predictive value of 80%. Algorithms developed to predict the effect of sequence changes on RNA splicing suggest that this variant may disrupt the consensus splice site. This variant disrupts the p.Gly728 amino acid residue in GLDC. Other variant(s) that disrupt this residue have been determined to be pathogenic (PMID: 26179960, 27362913). This suggests that this residue is clinically significant, and that variants that disrupt this residue are likely to be disease-causing. For these reasons, this variant has been classified as Pathogenic.

Literature cited by the submitters: PubMed 27362913 (cited by Women's Health and Genetics/Laboratory Corporation of America, LabCorp and Labcorp Genetics (formerly Invitae), Labcorp); PubMed 16450403 (cited by Women's Health and Genetics/Laboratory Corporation of America, LabCorp); PubMed 28116331 (cited by Women's Health and Genetics/Laboratory Corporation of America, LabCorp); PubMed 28733343 (cited by Women's Health and Genetics/Laboratory Corporation of America, LabCorp); PubMed 29300369 (cited by Women's Health and Genetics/Laboratory Corporation of America, LabCorp); PubMed 34587689 (cited by Women's Health and Genetics/Laboratory Corporation of America, LabCorp); PubMed 35357708 (cited by Women's Health and Genetics/Laboratory Corporation of America, LabCorp); PubMed 26179960 (cited by Labcorp Genetics (formerly Invitae), Labcorp).

NM_000170.3(GLDC):c.2182G>A (p.Gly728Arg)

Gene: GLDC (glycine decarboxylase; minus strand). Cytogenetic location: 9p24.1.
Variant type: single nucleotide variant.
Coding change: c.2182G>A on transcript NM_000170.3 (MANE Select); coding-DNA position 2182, G replaced by A.
Protein change: p.Gly728Arg; replaces glycine 728 with arginine.
Molecular consequence: missense variant.
Genome position (GRCh38, 1-based): chr9:6,556,173, C>T on the plus strand (G>A on the coding strand, the complement: GLDC is on the minus strand). VCF-style: chr9-6556173-C-T. GRCh37 (hg19) VCF-style: chr9-6556173-C-T.
Other names: short protein forms G728R.
Identifiers: ClinVar variation 580932 (VCV000580932.14), dbSNP rs386833542, ClinGen allele CA372881200.
Genomic context (GRCh38, chr9:6,556,173, plus strand): 5'-TTCTCAGTGGGAACTAAGGGCGGGCCTCTTCAGTTCCCACCTGAGCATTCATATTTGCCC[C>T]GTCTAGGTAGACCTGTCCTCCATGTTGATGGATGAGGTCACACACGTCACTGATGTTCTC-3'
Protein context (NP_000161.2, residues 718-738): HQHGGQVYLD[Gly728Arg]ANMNAQVGIC